The following is an entry in ClinVar:

NM_020533.3(MCOLN1):c.504del (p.Tyr169fs)

Gene: MCOLN1 (mucolipin TRP cation channel 1; plus strand). Cytogenetic location: 19p13.2.
Variant type: Deletion.
Coding change: c.504del on transcript NM_020533.3 (MANE Select); coding-DNA position 504, one base deleted (G; older notation c.504delG).
Protein change: p.Tyr169fs; shifts the reading frame from tyrosine 169.
Molecular consequence: frameshift variant.
Genome position (GRCh38, 1-based): chr19:7,526,859, G deleted; the last of 2 consecutive G bases (chr19:7,526,858-7,526,859); deleting either gives the same sequence. VCF-style (leftmost placement, unchanged base first): chr19-7526857-CG-C. GRCh37 (hg19) VCF-style: chr19-7591743-CG-C.
Other names: short protein forms Y169fs.
Identifiers: ClinVar variation 1453483 (VCV001453483.6), dbSNP rs2146022877, ClinGen allele CA2573155900.

ClinVar aggregate classification (germline): Pathogenic (1 of 4 stars; one submission).

Conditions:
Mucolipidosis type IV (ML4). Also called: ML IV. Identifiers: Orphanet 578, MedGen C0238286, MONDO:0009653, OMIM 252650.

Submission:

Labcorp Genetics (formerly Invitae), Labcorp
Classification: Pathogenic for Mucolipidosis type IV. Last evaluated: 2021-08-14. Review status: criteria provided, single submitter. Criteria: Invitae Variant Classification Sherloc (09022015). Collection method: clinical testing. Allele origin: germline.
Comment: This sequence change creates a premature translational stop signal (p.Tyr169Thrfs*69) in the MCOLN1 gene. It is expected to result in an absent or disrupted protein product. Loss-of-function variants in MCOLN1 are known to be pathogenic (PMID: 11030752, 11317355). This variant is not present in population databases (ExAC no frequency). This variant has not been reported in the literature in individuals affected with MCOLN1-related conditions. For these reasons, this variant has been classified as Pathogenic.

Literature cited by the submitters: PubMed 11030752; PubMed 11317355.